The following is an entry in ClinVar:

NM_001122769.3(LCA5):c.792A>G (p.Ala264=)

Gene: LCA5 (lebercilin LCA5; minus strand). Cytogenetic location: 6q14.1.
Variant type: single nucleotide variant.
Coding change: c.792A>G on transcript NM_001122769.3 (MANE Select); coding-DNA position 792, A replaced by G.
Protein change: p.Ala264=; no amino-acid change (alanine 264 retained).
Molecular consequence: synonymous variant.
Genome position (GRCh38, 1-based): chr6:79,493,679, T>C on the plus strand (A>G on the coding strand, the complement: LCA5 is on the minus strand). VCF-style: chr6-79493679-T-C. GRCh37 (hg19) VCF-style: chr6-80203396-T-C.
Other names: c.792A>G, p.Ala264= (NM_181714.4); c.792A>G (NM_181714.3).
Identifiers: ClinVar variation 2054302 (VCV002054302.5), dbSNP rs763718976, ClinGen allele CA3901027.
Genomic context (GRCh38, chr6:79,493,679, plus strand): 5'-TTTGTGATATAGTCGCTGTACCTCCTTTTGAAGAACTTTATTTTCATCATGAGCCTCATA[T>C]GCCCTTTTCCTTTCAGCAAGCAACTGTCGTTGGAAACTGTTAGTACTCAGTTCAAGGTTT-3'
Protein context (NP_001116241.1, residues 254-274): QRQLLAERKR[Ala264=]YEAHDENKVL

ClinVar aggregate classification (germline): Likely benign. Review status: criteria provided, multiple submitters, no conflicts (2 of 4 stars). 2 submissions from 2 submitters: Likely benign (2). Last evaluated 2025-03-27.

Conditions:
LCA5-related disorder. Also called: LCA5-related condition.

Allele frequency attached by ClinVar (database versions not stated): gnomAD exomes 0.00001; ExAC 0.00002.

Submissions (2):

PreventionGenetics, part of Exact Sciences
Classification: Likely benign for LCA5-related condition. Last evaluated: 2025-03-27. Review status: criteria provided, single submitter. Criteria: ACMG Guidelines, 2015. Collection method: clinical testing. Allele origin: germline.
Comment: This variant is classified as likely benign based on ACMG/AMP sequence variant interpretation guidelines (Richards et al. 2015 PMID: 25741868, with internal and published modifications).

Labcorp Genetics (formerly Invitae), Labcorp
Classification: Likely benign. Last evaluated: 2023-10-20. Review status: criteria provided, single submitter. Criteria: Invitae Variant Classification Sherloc (09022015). Collection method: clinical testing. Allele origin: germline.